The following is an entry in ClinVar:

ClinVar aggregate classification (germline): Uncertain significance (1 of 4 stars; one submission).

Conditions:
Auditory neuropathy, autosomal dominant 2 (AUNA2). Identifiers: MedGen C5830542, MONDO:0957279, OMIM 620384.
Leukodystrophy, hypomyelinating, 24 (HLD24). Identifiers: MedGen C5676974, MONDO:0859242, OMIM 619851.
Hearing loss, autosomal dominant 84. Also called: DEAFNESS, AUTOSOMAL DOMINANT 84. Identifiers: MedGen C5676952, MONDO:0030724, OMIM 619810.

gnomAD v4.1: 26 of 1,613,236 alleles (0.0016%); highest among the groups gnomAD compares: Middle Eastern, 0.018%; no homozygotes.

Submission:

Juno Genomics, Hangzhou Juno Genomics, Inc
Classification: Uncertain significance for Auditory neuropathy, autosomal dominant 2; Leukodystrophy, hypomyelinating, 24; Hearing loss, autosomal dominant 84. Review status: criteria provided, single submitter. Criteria: ACMG Guidelines, 2015. Collection method: clinical testing. Allele origin: germline.
Comment: Absent from controls (or at extremely low frequency if recessive) in Genome Aggregation Database.;Multiple lines of computational evidence support a deleterious effect on the gene or gene product.

NM_015205.3(ATP11A):c.2392C>T (p.Arg798Cys)

Gene: ATP11A (ATPase phospholipid transporting 11A; plus strand). Cytogenetic location: 13q34.
Variant type: single nucleotide variant.
Coding change: c.2392C>T on transcript NM_015205.3 (MANE Select); coding-DNA position 2392, C replaced by T.
Protein change: p.Arg798Cys; replaces arginine 798 with cysteine.
Molecular consequence: missense variant.
Genome position (GRCh38, 1-based): chr13:112,856,059, C>T. VCF-style: chr13-112856059-C-T. GRCh37 (hg19) VCF-style: chr13-113510373-C-T.
Other names: c.2392C>T, p.Arg798Cys (NM_001405661.1, NM_001405662.1, NM_001405663.1 and 1 more transcripts); short protein forms R798C.
Identifiers: ClinVar variation 5005230 (VCV005005230.2).